The following is an entry in ClinVar:

NM_005475.3(SH2B3):c.308C>T (p.Ser103Phe)

Gene: SH2B3 (SH2B adaptor protein 3; plus strand). Cytogenetic location: 12q24.12.
Variant type: single nucleotide variant.
Coding change: c.308C>T on transcript NM_005475.3 (MANE Select); coding-DNA position 308, C replaced by T.
Protein change: p.Ser103Phe; replaces serine 103 with phenylalanine.
Molecular consequence: missense variant.
Genome position (GRCh38, 1-based): chr12:111,418,453, C>T. VCF-style: chr12-111418453-C-T. GRCh37 (hg19) VCF-style: chr12-111856257-C-T.
Other names: short protein forms S103F.
Identifiers: ClinVar variation 3440747 (VCV003440747.1).

ClinVar aggregate classification (germline): Uncertain significance (1 of 4 stars; one submission).

Conditions:
Inborn genetic diseases. Identifiers: MedGen C0950123, MeSH D030342.

Submission:

Ambry Genetics
Classification: Uncertain significance for Inborn genetic diseases. Last evaluated: 2024-11-20. Review status: criteria provided, single submitter. Criteria: Ambry Variant Classification Scheme 2023. Collection method: clinical testing. Allele origin: germline.
Comment: The p.S103F variant (also known as c.308C>T), located in coding exon 1 of the SH2B3 gene, results from a C to T substitution at nucleotide position 308. The serine at codon 103 is replaced by phenylalanine, an amino acid with highly dissimilar properties. This amino acid position is conserved. In addition, this alteration is predicted to be tolerated by in silico analysis. Based on the available evidence, the clinical significance of this variant remains unclear.